The following is an entry in ClinVar:

NM_148919.4(PSMB8):c.483G>A (p.Gln161=)

Gene: PSMB8 (proteasome 20S subunit beta 8; minus strand). Cytogenetic location: 6p21.32.
Variant type: single nucleotide variant.
Coding change: c.483G>A on transcript NM_148919.4 (MANE Select); coding-DNA position 483, G replaced by A.
Protein change: p.Gln161=; no amino-acid change (glutamine 161 retained).
Molecular consequence: synonymous variant.
Genome position (GRCh38, 1-based): chr6:32,842,188, C>T on the plus strand (G>A on the coding strand, the complement: PSMB8 is on the minus strand). VCF-style: chr6-32842188-C-T. GRCh37 (hg19) VCF-style: chr6-32809965-C-T.
Other names: p.Gln161=; c.471G>A, p.Gln157= (NM_004159.5, LRG_1328t2); c.483G>A, p.Gln161= (LRG_1328t1).
Identifiers: ClinVar variation 356364 (VCV000356364.54), dbSNP rs41270492, ClinGen allele CA3746370.
Genomic context (GRCh38, chr6:32,842,188, plus strand): 5'-ACCCACCTTCTTATCCCAGCCACAGATCATACTGCCCATAGAGAGGCCCATGCCCCGGTA[C>T]TGGCACATCATGTTGGACAGCAGCTTGGAGGCTGCCGACACTGAAATACGTTCTCCATTT-3'
Protein context (NP_683720.2, residues 151-171): ASKLLSNMMC[Gln161=]YRGMGLSMGS

ClinVar aggregate classification (germline): Benign/Likely benign. Review status: criteria provided, multiple submitters, no conflicts (2 of 4 stars). 8 submissions from 8 submitters: Benign (4); Likely benign (4). Last evaluated 2026-08-01.

Conditions:
Proteosome-associated autoinflammatory syndrome. Also called: Proteasome-associated autoinflammatory syndrome. Identifiers: Orphanet 324977, MedGen C1850568, MONDO:0009726.
Proteasome-associated autoinflammatory syndrome 1 (PRAAS1). Also called: AUTOINFLAMMATION, LIPODYSTROPHY, AND DERMATOSIS SYNDROME; NAKAJO-NISHIMURA SYNDROME; CHRONIC ATYPICAL NEUTROPHILIC DERMATOSIS WITH LIPODYSTROPHY AND ELEVATED TEMPERATURE SYNDROME; JOINT CONTRACTURES, MUSCULAR ATROPHY, MICROCYTIC ANEMIA, AND PANNICULITIS-INDUCED LIPODYSTROPHY; JMP SYNDROME; Nakajo syndrome. Identifiers: Orphanet 2615, Orphanet 324977, Orphanet 324999, Orphanet 325004, MedGen C4746851, MONDO:0054698, OMIM 256040.
Autoinflammatory syndrome. Identifiers: Orphanet 93665, MedGen C3890737, MONDO:0019751.

Allele frequency attached by ClinVar (database versions not stated): 1000 Genomes Project 30x 0.00234; 1000 Genomes Project 0.00280; ESP Exome Variant Server 0.00332; gnomAD 0.00378 and 0.00387; TOPMed 0.00382; gnomAD exomes 0.00453 and 0.00551; ExAC 0.00458.
gnomAD v4.1: 8,604 of 1,613,160 alleles (0.53%); highest among the groups gnomAD compares: Middle Eastern, 1.6%; 43 homozygotes.

Submissions (8):

CeGaT Center for Human Genetics Tuebingen
Classification: Likely benign. Last evaluated: 2026-08-01. Review status: criteria provided, single submitter. Criteria: CeGaT Center For Human Genetics Tuebingen Variant Classification Criteria Version 2. Collection method: clinical testing. Allele origin: germline. Affected: yes. Observed: 23 variant alleles.
Comment: PSMB8: BP4, BS2

Women's Health and Genetics/Laboratory Corporation of America, LabCorp
Classification: Benign. Last evaluated: 2026-04-06. Review status: criteria provided, single submitter. Criteria: LabCorp Variant Classification Summary - May 2015. Collection method: clinical testing. Allele origin: germline.

Labcorp Genetics (formerly Invitae), Labcorp
Classification: Benign for Proteosome-associated autoinflammatory syndrome. Last evaluated: 2026-02-03. Review status: criteria provided, single submitter. Criteria: Invitae Variant Classification Sherloc (09022015). Collection method: clinical testing. Allele origin: germline.

Blueprint Genetics
Classification: Likely benign. Last evaluated: 2024-11-20. Review status: criteria provided, single submitter. Criteria: ACMG Guidelines, 2015. Collection method: clinical testing. Allele origin: germline.

Mayo Clinic Laboratories, Mayo Clinic
Classification: Benign. Last evaluated: 2024-04-09. Review status: criteria provided, single submitter. Criteria: ACMG Guidelines, 2015. Collection method: clinical testing. Allele origin: germline. Observed: 10 variant alleles.
Comment: BS1, BS2, BP4, BP7

Genome Diagnostics Laboratory, The Hospital for Sick Children
Classification: Benign for Autoinflammatory syndrome. Last evaluated: 2022-01-29. Review status: criteria provided, single submitter. Criteria: ACMG Guidelines, 2015. Collection method: clinical testing. Allele origin: germline. Affected: yes.

Illumina Laboratory Services, Illumina
Classification: Likely benign for Proteasome-associated autoinflammatory syndrome 1. Last evaluated: 2018-01-12. Review status: criteria provided, single submitter. Criteria: ICSL Variant Classification Criteria 13 December 2019. Collection method: clinical testing. Allele origin: germline.
Comment: This variant was observed in the ICSL laboratory as part of a predisposition screen in an ostensibly healthy population. It had not been previously curated by ICSL or reported in the Human Gene Mutation Database (HGMD: prior to June 1st, 2018), and was therefore a candidate for classification through an automated scoring system. Utilizing variant allele frequency, disease prevalence and penetrance estimates, and inheritance mode, an automated score was calculated to assess if this variant is too frequent to cause the disease. Based on the score and internal cut-off values, a variant classified as likely benign is not then subjected to further curation. The score for this variant resulted in a classification of likely benign for this disease.

Breakthrough Genomics
Classification: Likely benign. Review status: criteria provided, single submitter. Criteria: ACMG Guidelines, 2015. Collection method: not provided. Allele origin: germline. Inheritance: Autosomal recessive inheritance. Affected: yes.